The following is an entry in ClinVar:

ClinVar aggregate classification (germline): Uncertain significance (1 of 4 stars; one submission).

Conditions:
Werner syndrome (WRN). Identifiers: Orphanet 902, MedGen C0043119, MONDO:0010196, OMIM 277700.

Allele frequency attached by ClinVar (database versions not stated): gnomAD exomes below 0.00001; TOPMed below 0.00001; ExAC 0.00001; gnomAD 0.00001.
gnomAD v4.1: 5 of 1,613,968 alleles (0.00031%); highest among the groups gnomAD compares: Non-Finnish European, 0.00042%; no homozygotes.

Submission:

Labcorp Genetics (formerly Invitae), Labcorp
Classification: Uncertain significance for Werner syndrome. Last evaluated: 2023-12-18. Review status: criteria provided, single submitter. Criteria: Invitae Variant Classification Sherloc (09022015). Collection method: clinical testing. Allele origin: germline.
Comment: This sequence change replaces histidine, which is basic and polar, with arginine, which is basic and polar, at codon 336 of the WRN protein (p.His336Arg). This variant is present in population databases (rs774075901, gnomAD 0.0009%). This variant has not been reported in the literature in individuals affected with WRN-related conditions. ClinVar contains an entry for this variant (Variation ID: 576953). An algorithm developed to predict the effect of missense changes on protein structure and function (PolyPhen-2) suggests that this variant is likely to be tolerated. In summary, the available evidence is currently insufficient to determine the role of this variant in disease. Therefore, it has been classified as a Variant of Uncertain Significance.

NM_000553.6(WRN):c.1007A>G (p.His336Arg)

Gene: WRN (WRN RecQ like helicase; plus strand). Cytogenetic location: 8p12.
Variant type: single nucleotide variant.
Coding change: c.1007A>G on transcript NM_000553.6 (MANE Select); coding-DNA position 1007, A replaced by G.
Protein change: p.His336Arg; replaces histidine 336 with arginine.
Molecular consequence: missense variant.
Genome position (GRCh38, 1-based): chr8:31,081,034, A>G. VCF-style: chr8-31081034-A-G. GRCh37 (hg19) VCF-style: chr8-30938550-A-G.
Other names: short protein forms H336R.
Identifiers: ClinVar variation 576953 (VCV000576953.7), dbSNP rs774075901, ClinGen allele CA4704235.
Genomic context (GRCh38, chr8:31,081,034, plus strand): 5'-ACTTATTATCCTTTGAAGATTCAACTACTGGGGGAGTACAACAGAAACAAATTAGAGAAC[A>G]TGAAGTTTTAATTCACGTTGAAGATGAAACATGGGACCCAACACTTGATCATTTAGCTAA-3'
Protein context (NP_000544.2, residues 326-346): GGVQQKQIRE[His336Arg]EVLIHVEDET